The following is an entry in ClinVar:

NM_007294.4(BRCA1):c.323delinsAA (p.Ala108fs)

Gene: BRCA1 (BRCA1 DNA repair associated; minus strand). Cytogenetic location: 17q21.31.
Variant type: Indel.
Coding change: c.323delinsAA on transcript NM_007294.4 (MANE Select); coding-DNA position 323, C replaced by AA.
Protein change: p.Ala108fs; shifts the reading frame from alanine 108.
Molecular consequence: frameshift variant. On other transcripts: 5 prime UTR variant (7), intron variant (2).
Genome position (GRCh38, 1-based): chr17:43,104,240, G replaced by TT on the plus strand (C replaced by AA on the coding strand, the reverse complement: BRCA1 is on the minus strand). VCF-style: chr17-43104240-G-TT. GRCh37 (hg19) VCF-style: chr17-41256257-G-TT.
Other names: c.182delinsAA, p.Ala61fs (NM_001407737.1, NM_001407738.1, NM_001407739.1 and 99 more transcripts); c.323delinsAA, p.Ala108fs (NM_001407863.1, NM_001407854.1, NM_001407858.1 and 164 more transcripts); c.245delinsAA, p.Ala82fs (NM_001407874.1, NM_001407875.1, NM_001407862.1 and 21 more transcripts); c.113delinsAA, p.Ala38fs (NM_001407881.1, NM_001407884.1, NM_001407885.1 and 58 more transcripts); c.-59delinsAA (NM_001407959.1, NM_001407960.1, NM_001407962.1 and 4 more transcripts); c.314delinsAA, p.Ala105fs (NM_001408408.1, NM_001407646.1, NM_001407647.1); c.191delinsAA, p.Ala64fs (NM_001408451.1); c.-218-9380delinsAA (NM_001407967.1, NM_001407966.1); short protein forms A61fs, A64fs, A82fs, A38fs, A105fs, A108fs.
Identifiers: ClinVar variation 3481887 (VCV003481887.1).
Genomic context (GRCh38, chr17:43,104,240, plus strand): 5'-ATACTTTGGATGATAGAAACTTCATCTTTTAGATGTTCAGGAGAGTTATTTTCCTTTTTT[G>TT]CAAAATTATAGCTGTTTGCATCTGTAAAATACAAGGGAAAACATTATGTTTGCAGTTAGA-3'

ClinVar aggregate classification (germline): Pathogenic (1 of 4 stars; one submission).

Conditions:
Hereditary cancer-predisposing syndrome. Also called: Tumor predisposition; Neoplastic Syndromes, Hereditary; Hereditary Cancer Syndrome; Hereditary neoplastic syndrome. Identifiers: Orphanet 140162, MedGen C0027672, MeSH D009386, MONDO:0015356.

Submission:

Ambry Genetics
Classification: Pathogenic for Hereditary cancer-predisposing syndrome. Last evaluated: 2024-11-01. Review status: criteria provided, single submitter. Criteria: Ambry Variant Classification Scheme 2023. Collection method: clinical testing. Allele origin: germline.
Comment: The c.323delCinsAA pathogenic mutation, located in coding exon 5 of the BRCA1 gene, results from the deletion of one nucleotide and insertion of two nucleotides causing a translational frameshift with a predicted alternate stop codon (p.A108Efs*6). This variant is considered to be rare based on population cohorts in the Genome Aggregation Database (gnomAD). This alteration is expected to result in loss of function by premature protein truncation or nonsense-mediated mRNA decay. As such, this alteration is interpreted as a disease-causing mutation.